The following is an entry in ClinVar:

NM_000240.4(MAOA):c.891G>T (p.Arg297=)

Gene: MAOA (monoamine oxidase A; plus strand). Cytogenetic location: Xp11.3.
Variant type: single nucleotide variant.
Coding change: c.891G>T on transcript NM_000240.4 (MANE Select); coding-DNA position 891, G replaced by T.
Protein change: p.Arg297=; no amino-acid change (arginine 297 retained).
Molecular consequence: synonymous variant.
Genome position (GRCh38, 1-based): chrX:43,731,789, G>T. VCF-style: chrX-43731789-G-T. GRCh37 (hg19) VCF-style: chrX-43591036-G-T.
Other names: c.492G>T, p.Arg164= (NM_001270458.2).
Identifiers: ClinVar variation 92664 (VCV000092664.25), dbSNP rs6323, ClinGen allele CA145916.

ClinVar aggregate classification (germline): Benign. Review status: criteria provided, multiple submitters, no conflicts (2 of 4 stars). 6 submissions from 6 submitters: Benign (5). 1 of the submissions does not count toward it. Last evaluated 2026-02-03.

Conditions:
Inborn genetic diseases. Identifiers: MedGen C0950123, MeSH D030342.
Brunner syndrome (BRNRS). Identifiers: Orphanet 3057, MedGen C0796275, MONDO:0010379, OMIM 300615.

Allele frequency attached by ClinVar (database versions not stated): 1000 Genomes Project 30x 0.63621; ExAC 0.65293; 1000 Genomes Project 0.62490; gnomAD 0.71997; gnomAD exomes 0.65002; TOPMed 0.73541; ESP Exome Variant Server 0.75850.

Submissions (6):

Labcorp Genetics (formerly Invitae), Labcorp
Classification: Benign for Brunner syndrome. Last evaluated: 2026-02-03. Review status: criteria provided, single submitter. Criteria: Invitae Variant Classification Sherloc (09022015). Collection method: clinical testing. Allele origin: germline.

Genome-Nilou Lab
Classification: Benign for Brunner syndrome. Last evaluated: 2021-09-05. Review status: criteria provided, single submitter. Criteria: ACMG Guidelines, 2015. Collection method: clinical testing. Allele origin: germline. Affected: no.

Eurofins Ntd Llc (ga)
Classification: Benign. Last evaluated: 2015-07-16. Review status: criteria provided, single submitter. Criteria: EGL Classification Definitions 2015. Collection method: clinical testing. Allele origin: germline. Observed: 8 variant alleles, 1 homozygote, 7 hemizygotes.

Ambry Genetics
Classification: Benign for Inborn genetic diseases. Last evaluated: 2015-06-22. Review status: criteria provided, single submitter. Criteria: Ambry Variant Classification Scheme 2023. Collection method: clinical testing. Allele origin: germline.

Breakthrough Genomics
Classification: Benign. Review status: criteria provided, single submitter. Criteria: ACMG Guidelines, 2015. Collection method: not provided. Allele origin: germline. Inheritance: X-linked inheritance. Affected: yes.

Genetic Services Laboratory, University of Chicago
Classification: Likely benign for AllHighlyPenetrant. Review status: no assertion criteria provided. Collection method: clinical testing. Allele origin: germline. Inheritance: X-linked inheritance. Not counted in ClinVar's aggregate classification.
Comment: Likely benign based on allele frequency in 1000 Genomes Project or ESP global frequency and its presence in a patient with a rare or unrelated disease phenotype. NOT Sanger confirmed.